The following is an entry in ClinVar:

NM_007317.3(KIF22):c.576G>A (p.Ser192=)

Gene: KIF22 (kinesin family member 22; plus strand). Cytogenetic location: 16p11.2.
Variant type: single nucleotide variant.
Coding change: c.576G>A on transcript NM_007317.3 (MANE Select); coding-DNA position 576, G replaced by A.
Protein change: p.Ser192=; no amino-acid change (serine 192 retained).
Molecular consequence: synonymous variant.
Genome position (GRCh38, 1-based): chr16:29,799,001, G>A. VCF-style: chr16-29799001-G-A. GRCh37 (hg19) VCF-style: chr16-29810322-G-A.
Other names: c.372G>A, p.Ser124= (NM_001256269.2, NM_001256270.1).
Identifiers: ClinVar variation 1309375 (VCV001309375.5), dbSNP rs11545431, ClinGen allele CA7993035.

ClinVar aggregate classification (germline): Conflicting classifications of pathogenicity. Review status: criteria provided, conflicting classifications (1 of 4 stars). 2 submissions from 2 submitters: Uncertain significance (1); Likely benign (1). Last evaluated 2025-03-03.

gnomAD v4.1: 21 of 1,614,024 alleles (0.0013%); highest among the groups gnomAD compares: African/African-American, 0.008%; no homozygotes.

Submissions (2):

Labcorp Genetics (formerly Invitae), Labcorp
Classification: Likely benign. Last evaluated: 2025-03-03. Review status: criteria provided, single submitter. Criteria: Invitae Variant Classification Sherloc (09022015). Collection method: clinical testing. Allele origin: germline.

GeneDx
Classification: Uncertain significance. Last evaluated: 2019-10-25. Review status: criteria provided, single submitter. Criteria: GeneDx Variant Classification Process June 2021. Collection method: clinical testing. Allele origin: germline. Affected: yes.
Comment: Has not been previously published as pathogenic or benign to our knowledge; In-silico analysis, which includes splice predictors and evolutionary conservation, is inconclusive as to whether the variant alters gene splicing. In the absence of RNA/functional studies, the actual effect of this sequence change is unknown.